The following is an entry in ClinVar:

NM_003672.4(CDC14A):c.632C>G (p.Ala211Gly)

Gene: CDC14A (cell division cycle 14A; plus strand). Cytogenetic location: 1p21.2.
Variant type: single nucleotide variant.
Coding change: c.632C>G on transcript NM_003672.4 (MANE Select); coding-DNA position 632, C replaced by G.
Protein change: p.Ala211Gly; replaces alanine 211 with glycine.
Molecular consequence: missense variant. On other transcripts: 5 prime UTR variant (1).
Genome position (GRCh38, 1-based): chr1:100,462,675, C>G. VCF-style: chr1-100462675-C-G. GRCh37 (hg19) VCF-style: chr1-100928231-C-G.
Other names: c.632C>G, p.Ala211Gly (NM_001319210.2, NM_033312.3, NM_033313.3); c.458C>G, p.Ala153Gly (NM_001319211.2); c.-248C>G (NM_001319212.2); c.632C>G (NM_033312.2); short protein forms A153G, A211G.
Identifiers: ClinVar variation 1352214 (VCV001352214.6), dbSNP rs373986788, ClinGen allele CA970662.

ClinVar aggregate classification (germline): Uncertain significance. Review status: criteria provided, multiple submitters, no conflicts (2 of 4 stars). 2 submissions from 2 submitters: Uncertain significance (2). Last evaluated 2025-08-09.

Conditions:
Inborn genetic diseases. Identifiers: MedGen C0950123, MeSH D030342.

Allele frequency attached by ClinVar (database versions not stated): ExAC 0.00001; gnomAD 0.00001; gnomAD exomes 0.00001; ESP Exome Variant Server 0.00008.
gnomAD v4.1: 24 of 1,614,004 alleles (0.0015%); highest among the groups gnomAD compares: African/African-American, 0.0027%; no homozygotes.

Submissions (2):

Ambry Genetics
Classification: Uncertain significance for Inborn genetic diseases. Last evaluated: 2025-08-09. Review status: criteria provided, single submitter. Criteria: Ambry Variant Classification Scheme 2023. Collection method: clinical testing. Allele origin: germline.

Labcorp Genetics (formerly Invitae), Labcorp
Classification: Uncertain significance. Last evaluated: 2022-10-05. Review status: criteria provided, single submitter. Criteria: Invitae Variant Classification Sherloc (09022015). Collection method: clinical testing. Allele origin: germline.
Comment: This sequence change replaces alanine, which is neutral and non-polar, with glycine, which is neutral and non-polar, at codon 211 of the CDC14A protein (p.Ala211Gly). This variant is present in population databases (rs373986788, gnomAD 0.008%). This variant has not been reported in the literature in individuals affected with CDC14A-related conditions. ClinVar contains an entry for this variant (Variation ID: 1352214). Advanced modeling of protein sequence and biophysical properties (such as structural, functional, and spatial information, amino acid conservation, physicochemical variation, residue mobility, and thermodynamic stability) performed at Invitae indicates that this missense variant is expected to disrupt CDC14A protein function. In summary, the available evidence is currently insufficient to determine the role of this variant in disease. Therefore, it has been classified as a Variant of Uncertain Significance.